The following is an entry in ClinVar:

NM_138927.4(SON):c.797T>C (p.Met266Thr)

Gene: SON (SON DNA and RNA binding protein; plus strand). Cytogenetic location: 21q22.11.
Variant type: single nucleotide variant.
Coding change: c.797T>C on transcript NM_138927.4 (MANE Select); coding-DNA position 797, T replaced by C.
Protein change: p.Met266Thr; replaces methionine 266 with threonine.
Molecular consequence: missense variant. On other transcripts: non-coding transcript variant (1), intron variant (1).
Genome position (GRCh38, 1-based): chr21:33,550,028, T>C. VCF-style: chr21-33550028-T-C. GRCh37 (hg19) VCF-style: chr21-34922334-T-C.
Other names: c.797T>C, p.Met266Thr (NM_001291411.2, NM_001412133.1, NM_032195.3 and 2 more transcripts); c.244+3649T>C (NM_001291412.3); short protein forms M266T.
Identifiers: ClinVar variation 2762474 (VCV002762474.3), dbSNP rs778470942, ClinGen allele CA410152226.

ClinVar aggregate classification (germline): Uncertain significance (1 of 4 stars; one submission).

Submission:

Labcorp Genetics (formerly Invitae), Labcorp
Classification: Uncertain significance. Last evaluated: 2023-10-05. Review status: criteria provided, single submitter. Criteria: Invitae Variant Classification Sherloc (09022015). Collection method: clinical testing. Allele origin: germline.
Comment: This sequence change replaces methionine, which is neutral and non-polar, with threonine, which is neutral and polar, at codon 266 of the SON protein (p.Met266Thr). This variant is not present in population databases (gnomAD no frequency). This variant has not been reported in the literature in individuals affected with SON-related conditions. An algorithm developed to predict the effect of missense changes on protein structure and function (PolyPhen-2) suggests that this variant is likely to be disruptive. In summary, the available evidence is currently insufficient to determine the role of this variant in disease. Therefore, it has been classified as a Variant of Uncertain Significance.